The following is an entry in ClinVar:

NM_001042492.3(NF1):c.5063A>G (p.Glu1688Gly)

Gene: NF1 (neurofibromin 1; plus strand). Cytogenetic location: 17q11.2.
Variant type: single nucleotide variant.
Coding change: c.5063A>G on transcript NM_001042492.3 (MANE Select); coding-DNA position 5063, A replaced by G.
Protein change: p.Glu1688Gly; replaces glutamic acid 1688 with glycine.
Molecular consequence: missense variant.
Genome position (GRCh38, 1-based): chr17:31,326,047, A>G. VCF-style: chr17-31326047-A-G. GRCh37 (hg19) VCF-style: chr17-29653065-A-G.
Other names: c.5000A>G, p.Glu1667Gly (NM_000267.4); short protein forms E1667G, E1688G.
Identifiers: ClinVar variation 5025578 (VCV005025578.1).

ClinVar aggregate classification (germline): Uncertain significance (1 of 4 stars; one submission).

Conditions:
Cardiovascular phenotype. Identifiers: MedGen CN230736.
Hereditary cancer-predisposing syndrome. Also called: Neoplastic Syndromes, Hereditary; Tumor predisposition; Hereditary neoplastic syndrome; Hereditary Cancer Syndrome. Identifiers: Orphanet 140162, MedGen C0027672, MeSH D009386, MONDO:0015356.

Submission:

Ambry Genetics
Classification: Uncertain significance for Cardiovascular phenotype; Hereditary cancer-predisposing syndrome. Last evaluated: 2026-07-19. Review status: criteria provided, single submitter. Criteria: Ambry Variant Classification Scheme 2023. Collection method: clinical testing. Allele origin: germline.
Comment: The p.E1667G variant (also known as c.5000A>G), located in coding exon 36 of the NF1 gene, results from an A to G substitution at nucleotide position 5000. The glutamic acid at codon 1667 is replaced by glycine, an amino acid with similar properties. This amino acid position is conserved. In addition, this alteration is predicted to be deleterious by in silico analysis. Based on the available evidence, the clinical significance of this variant remains unclear.